The following is an entry in ClinVar:

ClinVar aggregate classification (germline): Likely benign (1 of 4 stars; one submission).

Allele frequency attached by ClinVar (database versions not stated): gnomAD 0.00001; gnomAD exomes 0.00001; TOPMed 0.00001; ExAC 0.00003.
gnomAD v4.1: 17 of 1,612,308 alleles (0.0011%); highest among the groups gnomAD compares: Admixed American, 0.0033%; no homozygotes.

Submission:

CeGaT Center for Human Genetics Tuebingen
Classification: Likely benign. Last evaluated: 2022-07-01. Review status: criteria provided, single submitter. Criteria: CeGaT Center For Human Genetics Tuebingen Variant Classification Criteria Version 2. Collection method: clinical testing. Allele origin: germline. Affected: yes. Observed: 1 variant allele.
Comment: CAPN12: BP4, BP7

NM_144691.4(CAPN12):c.2058C>T (p.His686=)

Genes: ACTN4 (actinin alpha 4; plus strand), CAPN12 (calpain 12; minus strand). Cytogenetic location: 19q13.2.
Variant type: single nucleotide variant.
Coding change: c.2058C>T on transcript NM_144691.4 (MANE Select); coding-DNA position 2058, C replaced by T.
Protein change: p.His686=; no amino-acid change (histidine 686 retained).
Molecular consequence: synonymous variant. On other transcripts: 3 prime UTR variant (3).
Genome position (GRCh38, 1-based): chr19:38,731,123, G>A on the plus strand (C>T on the coding strand, the complement: CAPN12 is on the minus strand). VCF-style: chr19-38731123-G-A. GRCh37 (hg19) VCF-style: chr19-39221763-G-A.
Other names: c.*1691G>A (NM_001322033.2, NM_001411143.1, NM_004924.6).
Identifiers: ClinVar variation 2649820 (VCV002649820.24), dbSNP rs748311659, ClinGen allele CA9418265.